The following is an entry in ClinVar:

ClinVar aggregate classification (germline): Uncertain significance (1 of 4 stars; one submission).

Conditions:
Cardiovascular phenotype. Identifiers: MedGen CN230736.

Allele frequency attached by ClinVar (database versions not stated): TOPMed below 0.00001.

Submission:

Ambry Genetics
Classification: Uncertain significance for Cardiovascular phenotype. Last evaluated: 2022-10-14. Review status: criteria provided, single submitter. Criteria: Ambry Variant Classification Scheme 2023. Collection method: clinical testing. Allele origin: germline.
Comment: The p.L2496S variant (also known as c.7487T>C), located in coding exon 26 of the APOB gene, results from a T to C substitution at nucleotide position 7487. The leucine at codon 2496 is replaced by serine, an amino acid with dissimilar properties. This amino acid position is conserved. In addition, this alteration is predicted to be tolerated by in silico analysis. Since supporting evidence is limited at this time, the clinical significance of this alteration remains unclear.

NM_000384.3(APOB):c.7487T>C (p.Leu2496Ser)

Gene: APOB (apolipoprotein B; minus strand). Cytogenetic location: 2p24.1.
Variant type: single nucleotide variant.
Coding change: c.7487T>C on transcript NM_000384.3 (MANE Select); coding-DNA position 7487, T replaced by C.
Protein change: p.Leu2496Ser; replaces leucine 2496 with serine.
Molecular consequence: missense variant.
Genome position (GRCh38, 1-based): chr2:21,009,381, A>G on the plus strand (T>C on the coding strand, the complement: APOB is on the minus strand). VCF-style: chr2-21009381-A-G. GRCh37 (hg19) VCF-style: chr2-21232253-A-G.
Other names: short protein forms L2496S.
Identifiers: ClinVar variation 1759121 (VCV001759121.2), dbSNP rs1478328687, ClinGen allele CA345997048.